The following is an entry in ClinVar:

NM_000465.4(BARD1):c.1746_1747del (p.Lys583fs)

Gene: BARD1 (BRCA1 associated RING domain 1; minus strand). Cytogenetic location: 2q35.
Variant type: Deletion.
Coding change: c.1746_1747del on transcript NM_000465.4 (MANE Select); coding-DNA positions 1746 to 1747, 2 bases deleted (GA; older notation c.1746_1747delGA).
Protein change: p.Lys583fs; shifts the reading frame from lysine 583.
Molecular consequence: frameshift variant. On other transcripts: non-coding transcript variant (3), intron variant (1).
Genome position (GRCh38, 1-based): chr2:214,745,785-214,745,786, TC deleted on the plus strand (GA on the coding strand, the reverse complement: BARD1 is on the minus strand); deleting any 2 consecutive bases within chr2:214,745,785-214,745,787 gives the same sequence; the c. name uses the placement nearest the transcript's 3' end. VCF-style (leftmost placement, unchanged base first): chr2-214745784-TTC-T. GRCh37 (hg19) VCF-style: chr2-215610508-TTC-T.
Other names: c.1689_1690del, p.Lys564fs (NM_001282543.2); c.393_394del, p.Lys132fs (NM_001282545.2); c.336_337del, p.Lys113fs (NM_001282548.2); c.365-15278_365-15277del (NM_001282549.2); short protein forms K583fs, K113fs, K132fs, K564fs.
Identifiers: ClinVar variation 3148652 (VCV003148652.1), dbSNP rs2469342786, ClinGen allele CA2586971256.
Genomic context (GRCh38, chr2:214,745,784, plus strand): 5'-GTACTGTCAAACTCAGTATATTTTTTAGCCTTAAGAATTACTGCAAGCTCACTGAGCATT[TTC>T]TGTTGTTCTGAAGACAGCCCACTGCCTATAAGTACAAGAGGTCCATCCCTACGCTGCCCA-3'

ClinVar aggregate classification (germline): Pathogenic (1 of 4 stars; one submission).

Conditions:
Familial cancer of breast. Also called: BREAST CANCER, FAMILIAL; Hereditary breast cancer; hereditary breast carcinoma. Identifiers: Orphanet 227535, MedGen C0346153, MONDO:0016419, OMIM 114480. Disease mechanism: loss of function.

Submission:

Myriad Genetics, Inc.
Classification: Pathogenic for Familial cancer of breast. Last evaluated: 2023-12-19. Review status: criteria provided, single submitter. Criteria: Myriad Autosomal Dominant, Autosomal Recessive and X-Linked Classification Criteria (2023). Collection method: clinical testing. Allele origin: unknown.
Comment: This variant is considered pathogenic. This variant creates a frameshift predicted to result in premature protein truncation.